The following is an entry in ClinVar:

NM_001164508.2(NEB):c.4180A>C (p.Lys1394Gln)

Gene: NEB (nebulin; minus strand). Cytogenetic location: 2q23.3.
Variant type: single nucleotide variant.
Coding change: c.4180A>C on transcript NM_001164508.2 (MANE Select); coding-DNA position 4180, A replaced by C.
Protein change: p.Lys1394Gln; replaces lysine 1394 with glutamine.
Molecular consequence: missense variant.
Genome position (GRCh38, 1-based): chr2:151,672,488, T>G on the plus strand (A>C on the coding strand, the complement: NEB is on the minus strand). VCF-style: chr2-151672488-T-G. GRCh37 (hg19) VCF-style: chr2-152529002-T-G.
Other names: c.4180A>C, p.Lys1394Gln (NM_001164507.2, NM_001271208.2, NM_004543.5); short protein forms K1394Q.
Identifiers: ClinVar variation 4781738 (VCV004781738.1).

ClinVar aggregate classification (germline): Uncertain significance (1 of 4 stars; one submission).

Conditions:
Nemaline myopathy 2 (NEM2). Also called: Nemaline myopathy 2, autosomal recessive. Identifiers: MedGen C1850569, MONDO:0009725, OMIM 256030.

Submission:

Labcorp Genetics (formerly Invitae), Labcorp
Classification: Uncertain significance for Nemaline myopathy 2. Last evaluated: 2025-07-25. Review status: criteria provided, single submitter. Criteria: Invitae Variant Classification Sherloc (09022015). Collection method: clinical testing. Allele origin: germline.
Comment: This sequence change replaces lysine, which is basic and polar, with glutamine, which is neutral and polar, at codon 1394 of the NEB protein (p.Lys1394Gln). This variant is not present in population databases (gnomAD no frequency). This variant has not been reported in the literature in individuals affected with NEB-related conditions. Experimental studies and prediction algorithms are not available or were not evaluated, and the functional significance of this variant is currently unknown. In summary, the available evidence is currently insufficient to determine the role of this variant in disease. Therefore, it has been classified as a Variant of Uncertain Significance.